The following is an entry in ClinVar:

NM_000051.4(ATM):c.5937A>G (p.Glu1979=)

Genes: ATM (ATM serine/threonine kinase; plus strand), C11orf65 (chromosome 11 open reading frame 65; minus strand). Cytogenetic location: 11q22.3.
Variant type: single nucleotide variant.
Coding change: c.5937A>G on transcript NM_000051.4 (MANE Select); coding-DNA position 5937, A replaced by G.
Protein change: p.Glu1979=; no amino-acid change (glutamic acid 1979 retained).
Molecular consequence: synonymous variant. On other transcripts: intron variant (2).
Genome position (GRCh38, 1-based): chr11:108,312,429, A>G. VCF-style: chr11-108312429-A-G. GRCh37 (hg19) VCF-style: chr11-108183156-A-G.
Other names: c.5937A>G, p.Glu1979= (NM_001351834.2); c.641-3358T>C (NM_001330368.2); c.*39-3358T>C (NM_001351110.2).
Identifiers: ClinVar variation 1750598 (VCV001750598.8), dbSNP rs2547052531, ClinGen allele CA476675532.

ClinVar aggregate classification (germline): Benign/Likely benign. Review status: criteria provided, multiple submitters, no conflicts (2 of 4 stars). 3 submissions from 3 submitters: Benign (1); Likely benign (2). Last evaluated 2026-02-03.

Conditions:
Familial cancer of breast. Also called: Hereditary breast cancer; hereditary breast carcinoma; BREAST CANCER, FAMILIAL. Identifiers: Orphanet 227535, MedGen C0346153, MONDO:0016419, OMIM 114480. Disease mechanism: loss of function.
Hereditary cancer-predisposing syndrome. Also called: Hereditary neoplastic syndrome; Neoplastic Syndromes, Hereditary; Tumor predisposition; Hereditary Cancer Syndrome. Identifiers: Orphanet 140162, MedGen C0027672, MeSH D009386, MONDO:0015356.
Ataxia-telangiectasia syndrome (AT). Also called: Ataxia telangiectasia (A-T); LOUIS-BAR SYNDROME; Cerebello-oculocutaneous telangiectasia; Immunodeficiency with ataxia telangiectasia; Ataxia-telangiectasia, complementation group D; AT, COMPLEMENTATION GROUP C. Identifiers: Orphanet 100, MedGen C0004135, MONDO:0008840, OMIM 208900.

Submissions (3):

Labcorp Genetics (formerly Invitae), Labcorp
Classification: Likely benign for Ataxia-telangiectasia syndrome. Last evaluated: 2026-02-03. Review status: criteria provided, single submitter. Criteria: Invitae Variant Classification Sherloc (09022015). Collection method: clinical testing. Allele origin: germline.

Ambry Genetics
Classification: Likely benign for Hereditary cancer-predisposing syndrome. Last evaluated: 2025-07-09. Review status: criteria provided, single submitter. Criteria: Ambry Variant Classification Scheme 2023. Collection method: clinical testing. Allele origin: germline.

Myriad Genetics, Inc.
Classification: Benign for Familial cancer of breast. Last evaluated: 2024-05-28. Review status: criteria provided, single submitter. Criteria: Myriad Autosomal Dominant, Autosomal Recessive and X-Linked Classification Criteria (2023). Collection method: clinical testing. Allele origin: unknown.
Comment: This variant is considered benign. This variant is a silent/synonymous amino acid change and it is not expected to impact splicing.